The following is an entry in ClinVar:

ClinVar aggregate classification (germline): Conflicting classifications of pathogenicity. Review status: criteria provided, conflicting classifications (1 of 4 stars). 2 submissions from 2 submitters: Likely pathogenic (1); Uncertain significance (1). Last evaluated 2023-12-14.

Conditions:
Developmental and epileptic encephalopathy, 11 (DEE11). Also called: Early infantile epileptic encephalopathy 11. Identifiers: Orphanet 1934, MedGen C3150987, MONDO:0013388, OMIM 613721.
Seizures, benign familial infantile, 3 (BFIS3). Also called: CONVULSIONS, BENIGN FAMILIAL INFANTILE, 3; Familial neonatal seizures. Identifiers: Orphanet 140927, Orphanet 306, MedGen C1843140, MONDO:0011904, OMIM 607745.

Submissions (2):

Labcorp Genetics (formerly Invitae), Labcorp
Classification: Likely pathogenic for Seizures, benign familial infantile, 3; Developmental and epileptic encephalopathy, 11. Last evaluated: 2023-12-14. Review status: criteria provided, single submitter. Criteria: Invitae Variant Classification Sherloc (09022015). Collection method: clinical testing. Allele origin: germline.
Comment: This sequence change replaces methionine, which is neutral and non-polar, with isoleucine, which is neutral and non-polar, at codon 1501 of the SCN2A protein (p.Met1501Ile). This variant is not present in population databases (gnomAD no frequency). This variant has not been reported in the literature in individuals affected with SCN2A-related conditions. ClinVar contains an entry for this variant (Variation ID: 1878633). Advanced modeling of protein sequence and biophysical properties (such as structural, functional, and spatial information, amino acid conservation, physicochemical variation, residue mobility, and thermodynamic stability) performed at Invitae indicates that this missense variant is expected to disrupt SCN2A protein function with a positive predictive value of 95%. This variant disrupts the p.Met1501 amino acid residue in SCN2A. Other variant(s) that disrupt this residue have been determined to be pathogenic (PMID: 29933521, 31031587). This suggests that this residue is clinically significant, and that variants that disrupt this residue are likely to be disease-causing. In summary, the currently available evidence indicates that the variant is pathogenic, but additional data are needed to prove that conclusively. Therefore, this variant has been classified as Likely Pathogenic.

Neuberg Centre For Genomic Medicine, NCGM
Classification: Uncertain significance for Developmental and epileptic encephalopathy, 11. Review status: criteria provided, single submitter. Criteria: ACMG Guidelines, 2015. Collection method: clinical testing. Allele origin: germline. Affected: yes.
Comment: The missense variant p.M1501I in SCN2A (NM_021007.2) causes a change at the same amino acid residue as a previously established pathogenic variant (M1501T). The p.M1501I variant is novel (not in any individuals) in gnomAD Exomes and is novel (not in any individuals) in 1000 Genomes. There is a small physicochemical difference between methionine and isoleucine, which is not likely to impact secondary protein structure as these residues share similar properties. The p.M1501I missense variant is predicted to be damaging by both SIFT and PolyPhen2. The methionine residue at codon 1501 of SCN2A is conserved in all mammalian species. The nucleotide c.4503 in SCN2A is predicted conserved by GERP++ and PhyloP across 100 vertebrates. For these reasons, this variant has been classified as Uncertain Significance.

Literature cited by the submitters: PubMed 29933521 (cited by Labcorp Genetics (formerly Invitae), Labcorp); PubMed 31031587 (cited by Labcorp Genetics (formerly Invitae), Labcorp).

NM_001040142.2(SCN2A):c.4503G>A (p.Met1501Ile)

Gene: SCN2A (sodium voltage-gated channel alpha subunit 2; plus strand). Cytogenetic location: 2q24.3.
Variant type: single nucleotide variant.
Coding change: c.4503G>A on transcript NM_001040142.2 (MANE Select); coding-DNA position 4503, G replaced by A.
Protein change: p.Met1501Ile; replaces methionine 1501 with isoleucine.
Molecular consequence: missense variant.
Genome position (GRCh38, 1-based): chr2:165,381,149, G>A. VCF-style: chr2-165381149-G-A. GRCh37 (hg19) VCF-style: chr2-166237659-G-A.
Other names: c.4503G>A, p.Met1501Ile (NM_001040143.2, NM_001371246.1, NM_001371247.1 and 1 more transcripts); short protein forms M1501I.
Identifiers: ClinVar variation 1878633 (VCV001878633.4), dbSNP rs2468129656, ClinGen allele CA349034769.